The following is an entry in ClinVar:

NM_016169.4(SUFU):c.52C>A (p.Pro18Thr)

Genes: SUFU (SUFU negative regulator of hedgehog signaling; plus strand), LOC130004614 (ATAC-STARR-seq lymphoblastoid silent region 2764; plus strand). Cytogenetic location: 10q24.32.
Variant type: single nucleotide variant.
Coding change: c.52C>A on transcript NM_016169.4 (MANE Select); coding-DNA position 52, C replaced by A.
Protein change: p.Pro18Thr; replaces proline 18 with threonine.
Molecular consequence: missense variant.
Genome position (GRCh38, 1-based): chr10:102,504,204, C>A. VCF-style: chr10-102504204-C-A. GRCh37 (hg19) VCF-style: chr10-104263961-C-A.
Other names: c.52C>A, p.Pro18Thr (NM_001178133.2); short protein forms P18T.
Identifiers: ClinVar variation 1715204 (VCV001715204.6), dbSNP rs1589969896, ClinGen allele CA377886265.

ClinVar aggregate classification (germline): Uncertain significance (1 of 4 stars; one submission).

Conditions:
Gorlin syndrome. Also called: Nevoid Basal Cell Carcinoma Syndrome; Basal cell nevus syndrome. Identifiers: Orphanet 377, MedGen C0004779, MONDO:0007187.
Medulloblastoma (MDB). Also called: MEDULLOBLASTOMA PREDISPOSITION SYNDROME; Medulloblastoma, somatic. Identifiers: Orphanet 616, MedGen C0025149, MeSH D008527, MONDO:0007959, OMIM 155255, HP:0002885.

Allele frequency attached by ClinVar (database versions not stated): gnomAD exomes below 0.00001.
gnomAD v4.1: 4 of 1,596,934 alleles (0.00025%); highest among the groups gnomAD compares: Non-Finnish European, 0.00034%; no homozygotes.

Submission:

Labcorp Genetics (formerly Invitae), Labcorp
Classification: Uncertain significance for Gorlin syndrome; Medulloblastoma. Last evaluated: 2022-08-05. Review status: criteria provided, single submitter. Criteria: Invitae Variant Classification Sherloc (09022015). Collection method: clinical testing. Allele origin: germline.
Comment: In summary, the available evidence is currently insufficient to determine the role of this variant in disease. Therefore, it has been classified as a Variant of Uncertain Significance. Algorithms developed to predict the effect of missense changes on protein structure and function (SIFT, PolyPhen-2, Align-GVGD) all suggest that this variant is likely to be tolerated. This variant has not been reported in the literature in individuals affected with SUFU-related conditions. This variant is not present in population databases (gnomAD no frequency). This sequence change replaces proline, which is neutral and non-polar, with threonine, which is neutral and polar, at codon 18 of the SUFU protein (p.Pro18Thr).